The following is an entry in ClinVar:

ClinVar aggregate classification (germline): Uncertain significance. Review status: criteria provided, multiple submitters, no conflicts (2 of 4 stars). 2 submissions from 2 submitters: Uncertain significance (2). Last evaluated 2025-08-07.

Conditions:
Autosomal recessive mendelian susceptibility to mycobacterial diseases due to complete RORgamma receptor deficiency. Also called: Immunodeficiency 42. Identifiers: Orphanet 477857, MedGen C5567647, MONDO:0014710, OMIM 616622.
Inborn genetic diseases. Identifiers: MedGen C0950123, MeSH D030342.

Allele frequency attached by ClinVar (database versions not stated): gnomAD exomes below 0.00001; gnomAD 0.00001.

Submissions (2):

Ambry Genetics
Classification: Uncertain significance for Inborn genetic diseases. Last evaluated: 2025-08-07. Review status: criteria provided, single submitter. Criteria: Ambry Variant Classification Scheme 2023. Collection method: clinical testing. Allele origin: germline.

Labcorp Genetics (formerly Invitae), Labcorp
Classification: Uncertain significance for Autosomal recessive mendelian susceptibility to mycobacterial diseases due to complete RORgamma receptor deficiency. Last evaluated: 2022-10-13. Review status: criteria provided, single submitter. Criteria: Invitae Variant Classification Sherloc (09022015). Collection method: clinical testing. Allele origin: germline.
Comment: ClinVar contains an entry for this variant (Variation ID: 1443781). This variant has not been reported in the literature in individuals affected with RORC-related conditions. This variant is present in population databases (no rsID available, gnomAD 0.0009%). This sequence change replaces leucine, which is neutral and non-polar, with valine, which is neutral and non-polar, at codon 483 of the RORC protein (p.Leu483Val). Algorithms developed to predict the effect of missense changes on protein structure and function (SIFT, PolyPhen-2, Align-GVGD) all suggest that this variant is likely to be disruptive. In summary, the available evidence is currently insufficient to determine the role of this variant in disease. Therefore, it has been classified as a Variant of Uncertain Significance.

NM_005060.4(RORC):c.1447C>G (p.Leu483Val)

Gene: RORC (RAR related orphan receptor C; minus strand). Cytogenetic location: 1q21.3.
Variant type: single nucleotide variant.
Coding change: c.1447C>G on transcript NM_005060.4 (MANE Select); coding-DNA position 1447, C replaced by G.
Protein change: p.Leu483Val; replaces leucine 483 with valine.
Molecular consequence: missense variant.
Genome position (GRCh38, 1-based): chr1:151,807,582, G>C on the plus strand (C>G on the coding strand, the complement: RORC is on the minus strand). VCF-style: chr1-151807582-G-C. GRCh37 (hg19) VCF-style: chr1-151780058-G-C.
Other names: c.1447C>G (NM_005060.3); c.1384C>G, p.Leu462Val (NM_001001523.2); short protein forms L462V, L483V.
Identifiers: ClinVar variation 1443781 (VCV001443781.9), dbSNP rs1177503789, ClinGen allele CA342008354.